The following is an entry in ClinVar:

ClinVar aggregate classification (germline): Uncertain significance (1 of 4 stars; one submission).

gnomAD v4.1: 12 of 1,584,454 alleles (0.00076%); highest among the groups gnomAD compares: Admixed American, 0.0072%; no homozygotes.

Submission:

GeneDx
Classification: Uncertain significance. Last evaluated: 2025-01-08. Review status: criteria provided, single submitter. Criteria: GeneDx Variant Classification Process June 2021. Collection method: clinical testing. Allele origin: germline. Affected: yes.
Comment: Not observed at significant frequency in large population cohorts (gnomAD); In silico analysis supports that this missense variant has a deleterious effect on protein structure/function; Has not been previously published as pathogenic or benign to our knowledge

NM_001378609.3(OTOGL):c.1871A>G (p.Asn624Ser)

Gene: OTOGL (otogelin like; plus strand). Cytogenetic location: 12q21.31.
Variant type: single nucleotide variant.
Coding change: c.1871A>G on transcript NM_001378609.3 (MANE Select); coding-DNA position 1871, A replaced by G.
Protein change: p.Asn624Ser; replaces asparagine 624 with serine.
Molecular consequence: missense variant.
Genome position (GRCh38, 1-based): chr12:80,257,984, A>G. VCF-style: chr12-80257984-A-G. GRCh37 (hg19) VCF-style: chr12-80651764-A-G.
Other names: c.1871A>G, p.Asn624Ser (NM_001368062.3, NM_001378610.3, NM_173591.7); short protein forms N624S.
Identifiers: ClinVar variation 4056979 (VCV004056979.1).
Genomic context (GRCh38, chr12:80,257,984, plus strand): 5'-TTCAGCTTACTAGCGCATGGAAAAGAAGAACATTAGGTCTGTGTGGCACTTTTAATGGCA[A>G]CATAAGGGATGATTTTCTGTAAGTATGATTTCTGCATAGTTAACATACTTAATGACTGGT-3'
Protein context (NP_001365538.2, residues 614-634): TLGLCGTFNG[Asn624Ser]IRDDFLSPSG